The following is an entry in ClinVar:

ClinVar aggregate classification (germline): Uncertain significance (1 of 4 stars; one submission).

Submission:

GeneDx
Classification: Uncertain significance. Last evaluated: 2024-09-13. Review status: criteria provided, single submitter. Criteria: GeneDx Variant Classification Process June 2021. Collection method: clinical testing. Allele origin: germline. Affected: yes.
Comment: Not observed at significant frequency in large population cohorts (gnomAD); In silico analysis indicates that this missense variant does not alter protein structure/function; Has not been previously published as pathogenic or benign to our knowledge

NM_001904.4(CTNNB1):c.1471C>G (p.Leu491Val)

Genes: CTNNB1 (catenin beta 1; plus strand), LOC126806659 (BRD4-independent group 4 enhancer GRCh37_chr3:41274918-41276117; plus strand). Cytogenetic location: 3p22.1.
Variant type: single nucleotide variant.
Coding change: c.1471C>G on transcript NM_001904.4 (MANE Select); coding-DNA position 1471, C replaced by G.
Protein change: p.Leu491Val; replaces leucine 491 with valine.
Molecular consequence: missense variant.
Genome position (GRCh38, 1-based): chr3:41,233,814, C>G. VCF-style: chr3-41233814-C-G. GRCh37 (hg19) VCF-style: chr3-41275305-C-G.
Other names: c.1471C>G, p.Leu491Val (NM_001098209.2, NM_001098210.2); c.1450C>G, p.Leu484Val (NM_001330729.2); short protein forms L484V, L491V.
Identifiers: ClinVar variation 3769710 (VCV003769710.1).
Genomic context (GRCh38, chr3:41,233,814, plus strand): 5'-CTGACCAGCCGACACCAAGAAGCAGAGATGGCCCAGAATGCAGTTCGCCTTCACTATGGA[C>G]TACCAGTTGTGGTTAAGCTCTTACACCCACCATCCCACTGGCCTCTGATAAAGGTAAATT-3'
Protein context (NP_001895.1, residues 481-501): AQNAVRLHYG[Leu491Val]PVVVKLLHPP